The following is an entry in ClinVar:

NM_000070.3(CAPN3):c.1714C>T (p.Arg572Trp)

Gene: CAPN3 (calpain 3; plus strand). Cytogenetic location: 15q15.1.
Variant type: single nucleotide variant.
Coding change: c.1714C>T on transcript NM_000070.3 (MANE Select); coding-DNA position 1714, C replaced by T.
Protein change: p.Arg572Trp; replaces arginine 572 with tryptophan.
Molecular consequence: missense variant.
Genome position (GRCh38, 1-based): chr15:42,402,971, C>T. VCF-style: chr15-42402971-C-T. GRCh37 (hg19) VCF-style: chr15-42695169-C-T.
Other names: NM_000070.3(CAPN3):c.1714C>T; c.1714C>T, p.Arg572Trp (NM_024344.2); c.1570C>T, p.Arg524Trp (NM_173087.2); c.178C>T, p.Arg60Trp (NM_173088.2); short protein forms R572W, R524W, R60W.
Identifiers: ClinVar variation 217152 (VCV000217152.85), dbSNP rs863224959, ClinGen allele CA347588.

ClinVar aggregate classification (germline): Pathogenic. Review status: reviewed by expert panel (3 of 4 stars). 15 submissions from 14 submitters: Pathogenic (1). 14 of the submissions do not count toward it. Last evaluated 2025-11-17.

Conditions:
CAPN3-related disorder. Also called: CAPN3-related condition; CAPN3-related disorders. Identifiers: MedGen CN239245.
Autosomal recessive limb-girdle muscular dystrophy type 2A (LGMDR1). Also called: Muscular dystrophy, limb-girdle, type 2A, Amish; LEYDEN-MOEBIUS MUSCULAR DYSTROPHY; Limb-girdle muscular dystrophy, type 2A; Calpainopathy; MUSCULAR DYSTROPHY, PELVOFEMORAL. Identifiers: Orphanet 267, MedGen C1869123, MONDO:0009675, OMIM 253600. Disease mechanism: loss of function.
Muscular dystrophy, limb-girdle, autosomal dominant 4. Also called: Calpain-3-related limb-girdle muscular dystrophy D4; MUSCULAR DYSTROPHY, LIMB-GIRDLE, TYPE 1I. Identifiers: Orphanet 565909, MedGen C4748295, MONDO:0029133, OMIM 618129.
Autosomal recessive limb-girdle muscular dystrophy. Identifiers: Orphanet 102015, MedGen C2931907, MONDO:0015152.
Abnormality of the musculature. Identifiers: MedGen C4021745, HP:0003011.

Allele frequency attached by ClinVar (database versions not stated): gnomAD exomes 0.00001 and 0.00002; TOPMed 0.00002; gnomAD 0.00003 and 0.00004.
gnomAD v4.1: 23 of 1,614,042 alleles (0.0014%); highest among the groups gnomAD compares: Middle Eastern, 0.033%; no homozygotes.

Submissions (15):

ClinGen Limb Girdle Muscular Dystrophy Variant Curation Expert Panel, ClinGen
Classification: Pathogenic for Autosomal recessive limb-girdle muscular dystrophy. Last evaluated: 2025-11-17. Review status: reviewed by expert panel. Criteria: ClinGen LGMD VCEP ACMG Specifications CAPN3 V2.0.0. Collection method: curation. Allele origin: germline. Inheritance: Autosomal recessive inheritance.
Comment: The NM_000070.3: c.1714C>T variant in CAPN3 is a missense variant predicted to cause the substitution of arginine by tryptophan at amino acid position 572, p.(Arg572Trp). This variant has been identified in at least twenty individuals with LGMD (PMID: 30919934, 9150160, 16650086, 17979987, 18563459, 18854869, 27234031, 31937337, 12461690), including in a homozygous state in 2 families with reported familial consanguinity (0.25 pts x2 = 0.5 pt, PMID: 27234031, 31937337) and in unknown phase with a pathogenic variant in three individuals (c.2242C>T, p.(Arg748Ter), 0.5 pts, PMID: 33560664, c.328C>T, p.(Arg110Ter), 0.5 pts, PMID: 12461690, and c.1611C>A, p.(Tyr537Ter), 0.5 pts; PM3_Strong). At least one patient with this variant and a second diagnostic variant in CAPN3 had both a clinical diagnosis of LGMD and absent calpain-3 protein expression in skeletal muscle, which is highly specific for CAPN3-related LGMD (PMID: 12461690; PP4_Strong). The computational predictor Revel gives a score of 0.94, which is above the threshold of 0.70 (PP3). The highest population allele frequency in gnomAD v4.1.0 is 0.0003287 (2/6084 Middle Eastern chromosomes), which is greater than the LGMD VCEP threshold (<0.0001) for PM2_Supporting (criterion not met). In summary, this variant meets the criteria to be classified as Pathogenic for autosomal recessive limb girdle muscular dystrophy based on the ACMG/AMP criteria applied, as specified by the ClinGen LGMD VCEP (LGMD VCEP specifications version 2.0.0; 11/17/2025): PM3_Strong, PP4_Strong, PP1, PP3.

Natera, Inc.
Classification: Pathogenic for Limb-girdle muscular dystrophy type 2A. Last evaluated: 2026-01-23. Review status: criteria provided, single submitter. Criteria: Natera Variant Classification Schema (03/2026). Collection method: clinical testing. Allele origin: germline. Not counted in ClinVar's aggregate classification.
Comment: The c.1714C>T variant in CAPN3 is a missense variant predicted to cause substitution of arginine to tryptophan at amino acid 572. This variant is rare in the general population with a frequency below the threshold expected for the associated phenotype(s). This variant has been observed in one or more individuals affected with the associated recessive disease, as either homozygous or compound heterozygous with a second variant (PMID: 27234031, 18854869, 12461690, 17979987). Additionally, this variant has been observed to segregate in affected family members (PMID: 12461690). Computational prediction algorithms indicate this variant is likely to affect gene or protein function. Given the available evidence, this variant is classified as Pathogenic.

Labcorp Genetics (formerly Invitae), Labcorp
Classification: Pathogenic for Autosomal recessive limb-girdle muscular dystrophy type 2A. Last evaluated: 2025-08-11. Review status: criteria provided, single submitter. Criteria: Invitae Variant Classification Sherloc (09022015). Collection method: clinical testing. Allele origin: germline. Not counted in ClinVar's aggregate classification.
Comment: This sequence change replaces arginine, which is basic and polar, with tryptophan, which is neutral and slightly polar, at codon 572 of the CAPN3 protein (p.Arg572Trp). This variant is present in population databases (no rsID available, gnomAD 0.003%). This missense change has been observed in individuals with autosomal recessive limb-girdle muscular dystrophy (PMID: 9150160, 12461690, 16650086, 18854869, 27234031). It has also been observed to segregate with disease in related individuals. ClinVar contains an entry for this variant (Variation ID: 217152). Invitae Evidence Modeling of protein sequence and biophysical properties (such as structural, functional, and spatial information, amino acid conservation, physicochemical variation, residue mobility, and thermodynamic stability) indicates that this missense variant is expected to disrupt CAPN3 protein function with a positive predictive value of 80%. This variant disrupts the p.Arg572 amino acid residue in CAPN3. Other variant(s) that disrupt this residue have been determined to be pathogenic (PMID: 7720071, 9642272, 10102422, 16650086, 27066545, 27708273). This suggests that this residue is clinically significant, and that variants that disrupt this residue are likely to be disease-causing. For these reasons, this variant has been classified as Pathogenic.

Athena Diagnostics
Classification: Pathogenic. Last evaluated: 2025-02-21. Review status: criteria provided, single submitter. Criteria: Athena Diagnostics Criteria. Collection method: clinical testing. Allele origin: unknown. Not counted in ClinVar's aggregate classification.
Comment: The frequency of this variant in the general population is consistent with pathogenicity. This variant has been seen with a single recessive pathogenic variant in the same gene in multiple individuals with autosomal recessive limb-girdle muscular dystrophy (LGMD). Polyphen and MutationTaster predict this amino acid change may be damaging to the protein. At least one other missense variant at this codon is considered to be pathogenic or likely pathogenic, suggesting this variant may also cause disease.

Women's Health and Genetics/Laboratory Corporation of America, LabCorp
Classification: Pathogenic for Autosomal recessive limb-girdle muscular dystrophy type 2A. Last evaluated: 2024-12-30. Review status: criteria provided, single submitter. Criteria: LabCorp Variant Classification Summary - May 2015. Collection method: clinical testing. Allele origin: germline. Not counted in ClinVar's aggregate classification.
Comment: Variant summary: CAPN3 c.1714C>T (p.Arg572Trp) results in a non-conservative amino acid change in the encoded protein sequence. Five of five in-silico tools predict a damaging effect of the variant on protein function. The variant allele was found at a frequency of 1.6e-05 in 251296 control chromosomes (gnomAD). c.1714C>T has been reported in the literature in multiple individuals affected with Autosomal recessive limb-girdle muscular dystrophy type 2A (e.g. Richard_1997, Fattahi_2017, Abolhassani_2024). These data indicate that the variant is very likely to be associated with disease. A different variant affecting the same codon has been classified as pathogenic by our lab (c.1715G>A, p.Arg572Gln), supporting the critical relevance of codon 572 to CAPN3 protein function. The following publications have been ascertained in the context of this evaluation (PMID: 9150160, 27234031, 38374194). ClinVar contains an entry for this variant (Variation ID: 217152). Based on the evidence outlined above, the variant was classified as pathogenic.

Fulgent Genetics
Classification: Pathogenic for Autosomal recessive limb-girdle muscular dystrophy type 2A; Muscular dystrophy, limb-girdle, autosomal dominant 4. Last evaluated: 2024-06-12. Review status: criteria provided, single submitter. Criteria: ACMG Guidelines, 2015. Collection method: clinical testing. Allele origin: germline. Not counted in ClinVar's aggregate classification.

Baylor Genetics
Classification: Pathogenic for Muscular dystrophy, limb-girdle, autosomal dominant 4. Last evaluated: 2024-02-17. Review status: criteria provided, single submitter. Criteria: ACMG Guidelines, 2015. Collection method: clinical testing. Allele origin: unknown. Not counted in ClinVar's aggregate classification.

Revvity Omics, Revvity
Classification: Pathogenic. Last evaluated: 2023-09-20. Review status: criteria provided, single submitter. Criteria: ACMG Guidelines, 2015. Collection method: clinical testing. Allele origin: germline. Not counted in ClinVar's aggregate classification.

GeneDx
Classification: Pathogenic. Last evaluated: 2023-04-25. Review status: criteria provided, single submitter. Criteria: GeneDx Variant Classification Process June 2021. Collection method: clinical testing. Allele origin: germline. Affected: yes. Not counted in ClinVar's aggregate classification.
Comment: Identified in additional individuals with LGMD for whom a second potentially pathogenic variant was not reported (Aguennouz et al., 2016; Tpf et al., 2020); Not observed at significant frequency in large population cohorts (gnomAD); In silico analysis supports that this missense variant has a deleterious effect on protein structure/function; This variant is associated with the following publications: (PMID: 31589614, 31937337, 27558075, 32528171, 18563459, 9150160, 15221789, 27234031, 30919934, 30056071, 18854869, 17979987)

Blueprint Genetics
Classification: Pathogenic for CAPN3-related disorders. Last evaluated: 2021-07-15. Review status: criteria provided, single submitter. Criteria: ACMG Guidelines, 2015. Collection method: clinical testing. Allele origin: germline. Affected: yes. Observed: 3 variant alleles. Not counted in ClinVar's aggregate classification.

Kariminejad - Najmabadi Pathology & Genetics Center
Classification: Pathogenic for Abnormality of the musculature. Last evaluated: 2021-07-10. Review status: criteria provided, single submitter. Criteria: ACMG Guidelines, 2015. Collection method: clinical testing. Allele origin: germline. Affected: yes. Not counted in ClinVar's aggregate classification.

CeGaT Center for Human Genetics Tuebingen
Classification: Pathogenic. Last evaluated: 2019-07-01. Review status: criteria provided, single submitter. Criteria: CeGaT Center For Human Genetics Tuebingen Variant Classification Criteria Version 2. Collection method: clinical testing. Allele origin: germline. Affected: yes. Observed: 1 variant allele. Not counted in ClinVar's aggregate classification.

Eurofins Ntd Llc (ga)
Classification: Pathogenic. Last evaluated: 2016-10-11. Review status: criteria provided, single submitter. Criteria: EGL Classification Definitions 2015. Collection method: clinical testing. Allele origin: germline. Observed: 8 variant alleles, 5 heterozygotes, 3 homozygotes. Not counted in ClinVar's aggregate classification.

Baylor Genetics
Classification: Pathogenic for Autosomal recessive limb-girdle muscular dystrophy type 2A. Review status: criteria provided, single submitter. Criteria: ACMG Guidelines, 2015. Collection method: clinical testing. Allele origin: germline. Not counted in ClinVar's aggregate classification.

Counsyl
Classification: Pathogenic for Autosomal recessive limb-girdle muscular dystrophy type 2A. Last evaluated: 2017-04-21. Review status: no assertion criteria provided. Collection method: clinical testing. Allele origin: unknown. Not counted in ClinVar's aggregate classification.

Literature cited by the submitters: PubMed 27234031 (cited by 5 submitters); PubMed 18854869 (cited by 4 submitters); PubMed 12461690 (cited by 4 submitters); PubMed 17979987 (cited by 3 submitters); PubMed 9150160 (cited by 4 submitters); PubMed 16650086 (cited by 4 submitters); PubMed 7720071 (cited by Labcorp Genetics (formerly Invitae), Labcorp); PubMed 9642272 (cited by Labcorp Genetics (formerly Invitae), Labcorp); PubMed 10102422 (cited by Labcorp Genetics (formerly Invitae), Labcorp); PubMed 27066545 (cited by Labcorp Genetics (formerly Invitae), Labcorp); PubMed 27708273 (cited by Labcorp Genetics (formerly Invitae), Labcorp and Athena Diagnostics); PubMed 10330340 (cited by Athena Diagnostics and Counsyl); PubMed 15221789 (cited by Athena Diagnostics and Eurofins Ntd Llc (ga)); PubMed 18563459 (cited by Athena Diagnostics and Counsyl); PubMed 16141003 (cited by Athena Diagnostics and Eurofins Ntd Llc (ga)); PubMed 38374194 (cited by Women's Health and Genetics/Laboratory Corporation of America, LabCorp).